The following is an entry in ClinVar:

ClinVar aggregate classification (germline): Uncertain significance (1 of 4 stars; one submission).

Conditions:
Microphthalmia, isolated, with coloboma 6 (MCOPCB6). Also called: MICROPHTHALMIA/COLOBOMA 6; Microphthalmia with coloboma 6, digenic; Microphthalmia with coloboma 6. Identifiers: Orphanet 98938, MedGen C3150968, MONDO:0013376, OMIM 613703.
Isolated microphthalmia 4. Identifiers: Orphanet 2542, MedGen C2751307, MONDO:0013130, OMIM 613094.
Leber congenital amaurosis 17 (LCA17). Identifiers: Orphanet 65, MedGen C3715164, MONDO:0014145, OMIM 615360.
Klippel-Feil syndrome 1, autosomal dominant (KFS1). Also called: CERVICAL VERTEBRAL FUSION, AUTOSOMAL DOMINANT. Identifiers: Orphanet 2345, MedGen C1861689, MONDO:0007306, OMIM 118100.

Submission:

Labcorp Genetics (formerly Invitae), Labcorp
Classification: Uncertain significance for Isolated microphthalmia 4; Leber congenital amaurosis 17; Klippel-Feil syndrome 1, autosomal dominant; Microphthalmia, isolated, with coloboma 6. Last evaluated: 2022-10-24. Review status: criteria provided, single submitter. Criteria: Invitae Variant Classification Sherloc (09022015). Collection method: clinical testing. Allele origin: germline.
Comment: In summary, the available evidence is currently insufficient to determine the role of this variant in disease. Therefore, it has been classified as a Variant of Uncertain Significance. Advanced modeling of protein sequence and biophysical properties (such as structural, functional, and spatial information, amino acid conservation, physicochemical variation, residue mobility, and thermodynamic stability) performed at Invitae indicates that this missense variant is expected to disrupt GDF6 protein function. This sequence change replaces phenylalanine, which is neutral and non-polar, with serine, which is neutral and polar, at codon 150 of the GDF6 protein (p.Phe150Ser). This variant is not present in population databases (gnomAD no frequency). This variant has not been reported in the literature in individuals affected with GDF6-related conditions.

NM_001001557.4(GDF6):c.449T>C (p.Phe150Ser)

Gene: GDF6 (growth differentiation factor 6; minus strand). Cytogenetic location: 8q22.1.
Variant type: single nucleotide variant.
Coding change: c.449T>C on transcript NM_001001557.4 (MANE Select); coding-DNA position 449, T replaced by C.
Protein change: p.Phe150Ser; replaces phenylalanine 150 with serine.
Molecular consequence: missense variant.
Genome position (GRCh38, 1-based): chr8:96,145,482, A>G on the plus strand (T>C on the coding strand, the complement: GDF6 is on the minus strand). VCF-style: chr8-96145482-A-G. GRCh37 (hg19) VCF-style: chr8-97157710-A-G.
Other names: short protein forms F150S.
Identifiers: ClinVar variation 2127688 (VCV002127688.4), dbSNP rs2487831245, ClinGen allele CA371752840.
Genomic context (GRCh38, chr8:96,145,482, plus strand): 5'-CGAAAGAGCCGCAGCTCCGCGCCCACCAGCTCTTCTTTGTCTGAGAGCATGGACACATCA[A>G]ACAAATACTTCTGTCTCCGGAGAGGAGTGTGCGAGAGATCGTCTGCGAGATAAAAAATAA-3'
Protein context (NP_001001557.1, residues 140-160): HTPLRRQKYL[Phe150Ser]DVSMLSDKEE